The following is an entry in ClinVar:

NM_152783.5(D2HGDH):c.1256G>A (p.Arg419His)

Gene: D2HGDH (D-2-hydroxyglutarate dehydrogenase; plus strand). Cytogenetic location: 2q37.3.
Variant type: single nucleotide variant.
Coding change: c.1256G>A on transcript NM_152783.5 (MANE Select); coding-DNA position 1256, G replaced by A.
Protein change: p.Arg419His; replaces arginine 419 with histidine.
Molecular consequence: missense variant. On other transcripts: non-coding transcript variant (1).
Genome position (GRCh38, 1-based): chr2:241,755,964, G>A. VCF-style: chr2-241755964-G-A. GRCh37 (hg19) VCF-style: chr2-242695379-G-A.
Other names: c.854G>A, p.Arg285His (NM_001287249.2); c.695G>A, p.Arg232His (NM_001352824.2); c.1256G>A (NM_152783.4); short protein forms R419H, R232H, R285H.
Identifiers: ClinVar variation 631854 (VCV000631854.12), dbSNP rs199908032, ClinGen allele CA2222137.

ClinVar aggregate classification (germline): Conflicting classifications of pathogenicity. Review status: criteria provided, conflicting classifications (1 of 4 stars). 4 submissions from 4 submitters: Likely pathogenic (1); Uncertain significance (2). 1 of the submissions does not count toward it. Last evaluated 2026-03-19.

Conditions:
D2HGDH-related disorder. Also called: D2HGDH-related condition.
D-2-hydroxyglutaric aciduria 1 (D2HGA1). Identifiers: Orphanet 79315, MedGen C3152055, MONDO:0024554, OMIM 600721.

Allele frequency attached by ClinVar (database versions not stated): gnomAD 0.00006; TOPMed 0.00012; ESP Exome Variant Server 0.00015.
gnomAD v4.1: 206 of 1,606,882 alleles (0.013%); highest among the groups gnomAD compares: Non-Finnish European, 0.016%; no homozygotes.

Submissions (4):

Women's Health and Genetics/Laboratory Corporation of America, LabCorp
Classification: Uncertain significance. Last evaluated: 2026-03-19. Review status: criteria provided, single submitter. Criteria: LabCorp Variant Classification Summary - May 2015. Collection method: clinical testing. Allele origin: germline.
Comment: Variant summary: D2HGDH c.1256G>A (p.Arg419His) results in a non-conservative amino acid change in the encoded protein sequence. Algorithms developed to predict the effect of missense changes on protein structure and function all suggest that this variant is likely to be disruptive. The variant allele was found at a frequency of 4e-05 in 249114 control chromosomes. This frequency is not significantly higher than estimated for disease-causing variants in D2HGDH, allowing no conclusion about variant significance. c.1256G>A has been observed in homozygous genotype in an individual affected with D-2 Hydroxyglutaric Aciduria 1 (Kranendijk_2010). These data indicate that the variant may be associated with disease. At least one publication reports experimental evidence evaluating an impact on protein function (Pop_2019). The most pronounced variant effect results in 37% of normal activity. The following publications have been ascertained in the context of this evaluation (PMID: 20020533, 30908763). ClinVar contains an entry for this variant (Variation ID: 631854). Based on the evidence outlined above, the variant was classified as VUS-possibly pathogenic.

Labcorp Genetics (formerly Invitae), Labcorp
Classification: Likely pathogenic for D-2-hydroxyglutaric aciduria 1. Last evaluated: 2025-09-02. Review status: criteria provided, single submitter. Criteria: Invitae Variant Classification Sherloc (09022015). Collection method: clinical testing. Allele origin: germline.
Comment: This sequence change replaces arginine, which is basic and polar, with histidine, which is basic and polar, at codon 419 of the D2HGDH protein (p.Arg419His). This variant is present in population databases (rs199908032, gnomAD 0.008%). This missense change has been observed in individual(s) with D-2-hydroxyglutaric aciduria (PMID: 20020533). ClinVar contains an entry for this variant (Variation ID: 631854). Invitae Evidence Modeling of protein sequence and biophysical properties (such as structural, functional, and spatial information, amino acid conservation, physicochemical variation, residue mobility, and thermodynamic stability) indicates that this missense variant is expected to disrupt D2HGDH protein function with a positive predictive value of 95%. Experimental studies have shown that this missense change affects D2HGDH function (PMID: 30908763, 33431826). This variant disrupts the p.Arg419 amino acid residue in D2HGDH. Other variant(s) that disrupt this residue have been observed in individuals with D2HGDH-related conditions (PMID: 33728243), which suggests that this may be a clinically significant amino acid residue. In summary, the currently available evidence indicates that the variant is pathogenic, but additional data are needed to prove that conclusively. Therefore, this variant has been classified as Likely Pathogenic.

Blueprint Genetics
Classification: Uncertain significance. Last evaluated: 2024-11-25. Review status: criteria provided, single submitter. Criteria: ACMG Guidelines, 2015. Collection method: clinical testing. Allele origin: germline.

PreventionGenetics, part of Exact Sciences
Classification: Likely pathogenic for D2HGDH-related condition. Last evaluated: 2024-04-10. Review status: no assertion criteria provided. Collection method: clinical testing. Allele origin: germline. Not counted in ClinVar's aggregate classification.
Comment: The D2HGDH c.1256G>A variant is predicted to result in the amino acid substitution p.Arg419His. This variant has been reported in the homozygous state in an individual with D-2-hydroxyglutaric aciduria (Table 1, Kranendijk et al. 2010. PubMed ID: 20020533). This variant is reported in 0.0081% of alleles in individuals of African descent in gnomAD. In vitro experimental studies suggest this variant reduces D-2-hydroxyglutarate dehydrogenase activity (Table 1, Kranendijk et al. 2010. PubMed ID: 20020533; Figure 6, Yang et al. 2021. PubMed ID: 33431826). An alternate nucleotide substitution affecting the same amino acid (p.Arg419Leu) has been reported in the compound heterozygous state in an individual with D-2-hydroxyglutaric aciduria (Perales-Clemente et al. 2021. PubMed ID: 33728243). In summary, the c.1256G>A (p.Arg419His) variant is interpreted as likely pathogenic.

Literature cited by the submitters: PubMed 20020533 (cited by Women's Health and Genetics/Laboratory Corporation of America, LabCorp and Labcorp Genetics (formerly Invitae), Labcorp); PubMed 30908763 (cited by Women's Health and Genetics/Laboratory Corporation of America, LabCorp and Labcorp Genetics (formerly Invitae), Labcorp); PubMed 33431826 (cited by Labcorp Genetics (formerly Invitae), Labcorp); PubMed 33728243 (cited by Labcorp Genetics (formerly Invitae), Labcorp).